The following is an entry in ClinVar:

ClinVar aggregate classification (germline): Uncertain significance (1 of 4 stars; one submission).

Allele frequency attached by ClinVar (database versions not stated): gnomAD exomes below 0.00001; ExAC 0.00001.
gnomAD v4.1: 1 of 1,602,388 alleles (0.000062%); highest among the groups gnomAD compares: Admixed American, 0.0017%; no homozygotes.

Submission:

GeneDx
Classification: Uncertain significance. Last evaluated: 2022-05-31. Review status: criteria provided, single submitter. Criteria: GeneDx Variant Classification Process June 2021. Collection method: clinical testing. Allele origin: germline. Affected: yes.
Comment: Not observed at significant frequency in large population cohorts (gnomAD); In silico analysis supports that this missense variant does not alter protein structure/function; Has not been previously published as pathogenic or benign to our knowledge

NM_006734.4(HIVEP2):c.5644G>A (p.Ala1882Thr)

Gene: HIVEP2 (HIVEP zinc finger 2; minus strand). Cytogenetic location: 6q24.2.
Variant type: single nucleotide variant.
Coding change: c.5644G>A on transcript NM_006734.4 (MANE Select); coding-DNA position 5644, G replaced by A.
Protein change: p.Ala1882Thr; replaces alanine 1882 with threonine.
Molecular consequence: missense variant.
Genome position (GRCh38, 1-based): chr6:142,760,644, C>T on the plus strand (G>A on the coding strand, the complement: HIVEP2 is on the minus strand). VCF-style: chr6-142760644-C-T. GRCh37 (hg19) VCF-style: chr6-143081781-C-T.
Other names: short protein forms A1882T.
Identifiers: ClinVar variation 1801893 (VCV001801893.1), dbSNP rs781316092, ClinGen allele CA4027824.
Genomic context (GRCh38, chr6:142,760,644, plus strand): 5'-CCTCAGCATCGGAGAACTGATGATCAGTTGAAATGCTGGACATGCTATGCTTCTCTGCTG[C>T]TTTGTGCAAATCTTCCAAATTTTCTGAAACAATTAAACAAAGATAATGGAGATCAAGATC-3'
Protein context (NP_006725.3, residues 1872-1892): EAENLEDLHK[Ala1882Thr]AEKHSMSSIS